The following is an entry in ClinVar:

ClinVar aggregate classification (germline): Pathogenic/Likely pathogenic. Review status: criteria provided, multiple submitters, no conflicts (2 of 4 stars). 7 submissions from 6 submitters: Pathogenic (2); Likely pathogenic (5). Last evaluated 2025-12-16.

Conditions:
Congenital myasthenic syndrome 10. Also called: Myasthenia, limb-girdle, familial. Identifiers: Orphanet 590, MedGen C1850792, MONDO:0009690, OMIM 254300.
Fetal akinesia deformation sequence 3. Identifiers: MedGen C4760599, MONDO:0100103, OMIM 618389.
Fetal akinesia deformation sequence 1 (FADS1). Also called: Pena-Shokeir syndrome type I; Fetal akinesia sequence. Identifiers: Orphanet 994, MedGen C1276035, MONDO:0100101, OMIM 208150, HP:0001989.
Congenital myasthenic syndrome (CMS). Also called: Congenital Myasthenic Syndromes. Identifiers: Orphanet 590, MedGen C0751882, MeSH D020294, MONDO:0018940.

Allele frequency attached by ClinVar (database versions not stated): TOPMed below 0.00001.
gnomAD v4.1: 25 of 1,613,902 alleles (0.0015%); highest among the groups gnomAD compares: East Asian, 0.0022%; no homozygotes.

Submissions (7):

Labcorp Genetics (formerly Invitae), Labcorp
Classification: Pathogenic for Congenital myasthenic syndrome 10; Fetal akinesia deformation sequence 1. Last evaluated: 2025-12-16. Review status: criteria provided, single submitter. Criteria: Invitae Variant Classification Sherloc (09022015). Collection method: clinical testing. Allele origin: germline.
Comment: This sequence change affects codon 171 of the DOK7 mRNA. It is a 'silent' change, meaning that it does not change the encoded amino acid sequence of the DOK7 protein. RNA analysis indicates that this variant induces altered splicing and likely results in the loss of 7 amino acid residue(s), but is expected to preserve the integrity of the reading-frame. This variant is present in population databases (rs775583136, gnomAD 0.003%). This variant has been observed in individual(s) with clinical features of congenital myasthenic syndrome (PMID: 22661499, 25326635; internal data). In at least one individual the data is consistent with being in trans (on the opposite chromosome) from a pathogenic variant. ClinVar contains an entry for this variant (Variation ID: 429791). Studies have shown that this variant results in the activation of a cryptic splice site in exon 4 (PMID: 22661499). This variant disrupts the p.Gly172 amino acid residue in DOK7. Other variant(s) that disrupt this residue have been determined to be pathogenic (PMID: 20012313, 28716243, 30266093). This suggests that this residue is clinically significant, and that variants that disrupt this residue are likely to be disease-causing. For these reasons, this variant has been classified as Pathogenic.

Fulgent Genetics
Classification: Likely pathogenic for Congenital myasthenic syndrome 10; Fetal akinesia deformation sequence 3. Last evaluated: 2024-02-29. Review status: criteria provided, single submitter. Criteria: ACMG Guidelines, 2015. Collection method: clinical testing. Allele origin: germline.

Baylor Genetics
Classification: Likely pathogenic for Fetal akinesia deformation sequence 3. Last evaluated: 2024-02-05. Review status: criteria provided, single submitter. Criteria: ACMG Guidelines, 2015. Collection method: clinical testing. Allele origin: unknown.

GeneDx
Classification: Likely pathogenic. Last evaluated: 2023-09-29. Review status: criteria provided, single submitter. Criteria: GeneDx Variant Classification Process June 2021. Collection method: clinical testing. Allele origin: germline. Affected: yes.
Comment: Reported previously in unknown phase with another pathogenic variant in multiple individuals with congenital myasthenic syndrome in the published literature or tested at GeneDx (Cossins et al., 2012; Burke et al., 2013; Yang et al., 2014); functional studies using exon trapping suggest that this variant causes an in-frame deletion of the last 7 amino acids in exon 4 of the DOK7 gene (Cossins et al., 2012); Not observed at significant frequency in large population cohorts (gnomAD); This variant is associated with the following publications: (PMID: 20603078, 20012313, 22661499, 25326635, 23219351, 34831073)

Women's Health and Genetics/Laboratory Corporation of America, LabCorp
Classification: Likely pathogenic for Congenital myasthenic syndrome. Last evaluated: 2022-08-11. Review status: criteria provided, single submitter. Criteria: LabCorp Variant Classification Summary - May 2015. Collection method: clinical testing. Allele origin: germline.
Comment: Variant summary: DOK7 c.513C>T alters a conserved nucleotide resulting in a synonymous change. Several computational tools predict a significant impact on normal splicing: Four predict the variant creates/strengthens a cryptic exonic 5' donor site. Experimental evidence supports these predictions demonstrating that this variant affects mRNA splicing, resulting in a truncated exon 4 lacking the last 21 nucleotides of the exon (Cossins_2012). The variant allele was found at a frequency of 8e-06 in 250616 control chromosomes. c.513C>T has been reported in the literature in compound heterozygous individuals affected with Congenital Myasthenic Syndrome (Cossins_2012, Yang_2014). These data indicate that the variant is likely to be associated with disease. Three ClinVar submitters (evaluation after 2014) cite the variant as pathogenic/likely pathogenic. Based on the evidence outlined above, the variant was classified as likely pathogenic.

Baylor Genetics
Classification: Pathogenic for Congenital myasthenic syndrome 10. Last evaluated: 2017-09-01. Review status: criteria provided, single submitter. Criteria: ACMG Guidelines, 2015. Collection method: clinical testing. Allele origin: paternal. Inheritance: Autosomal recessive inheritance. Affected: yes.
Comment: The c.513C>T mutation, which does not affect amino acid translation, was shown to affect mRNA splicing in the literature.

Juno Genomics, Hangzhou Juno Genomics, Inc
Classification: Likely pathogenic for Fetal akinesia deformation sequence 3; Congenital myasthenic syndrome 10. Review status: criteria provided, single submitter. Criteria: ACMG Guidelines, 2015. Collection method: clinical testing. Allele origin: germline.
Comment: Absent from controls (or at extremely low frequency if recessive) in Genome Aggregation Database.;Null variant in a gene where loss of function (LOF) is a known mechanism of disease.;For recessive disorders, detected in trans with a pathogenic variant.;Patient's phenotype or family history is highly specific for a disease with a single genetic etiology.

Literature cited by the submitters: PubMed 22661499 (cited by 3 submitters); PubMed 25326635 (cited by 3 submitters); PubMed 20012313 (cited by Labcorp Genetics (formerly Invitae), Labcorp); PubMed 28716243 (cited by Labcorp Genetics (formerly Invitae), Labcorp); PubMed 30266093 (cited by Labcorp Genetics (formerly Invitae), Labcorp).

NM_173660.5(DOK7):c.513C>T (p.Gly171=)

Gene: DOK7 (docking protein 7; plus strand). Cytogenetic location: 4p16.3.
Variant type: single nucleotide variant.
Coding change: c.513C>T on transcript NM_173660.5 (MANE Select); coding-DNA position 513, C replaced by T.
Protein change: p.Gly171=; no amino-acid change (glycine 171 retained).
Molecular consequence: synonymous variant. On other transcripts: intron variant (1).
Genome position (GRCh38, 1-based): chr4:3,476,523, C>T. VCF-style: chr4-3476523-C-T. GRCh37 (hg19) VCF-style: chr4-3478250-C-T.
Other names: c.513C>T, p.Gly171= (NM_001164673.2, NM_001301071.2); c.101-9016C>T (NM_001363811.2).
Identifiers: ClinVar variation 429791 (VCV000429791.19), dbSNP rs775583136, ClinGen allele CA2829017.
Genomic context (GRCh38, chr4:3,476,523, plus strand): 5'-GTGGAAGCTGTCTGACCTCCGGCGCTACGGGGCCGTGCCAAGCGGATTCATCTTTGAAGG[C>T]GGGACCAGGTGTGGGTACTGTAAGTACGGATGTGTGGGGTCACTGGGCAGCAGCAGCACC-3'
Protein context (NP_775931.3, residues 161-181): GAVPSGFIFE[Gly171=]GTRCGYWAGV